The following is an entry in ClinVar:

ClinVar aggregate classification (germline): Pathogenic (1 of 4 stars; one submission).

Conditions:
Vici syndrome (VICIS). Identifiers: Orphanet 1493, MedGen C1855772, MONDO:0009452, OMIM 242840.

Submission:

Labcorp Genetics (formerly Invitae), Labcorp
Classification: Pathogenic for Vici syndrome. Last evaluated: 2022-08-23. Review status: criteria provided, single submitter. Criteria: Invitae Variant Classification Sherloc (09022015). Collection method: clinical testing. Allele origin: germline.
Comment: For these reasons, this variant has been classified as Pathogenic. ClinVar contains an entry for this variant (Variation ID: 1072330). This variant has not been reported in the literature in individuals affected with EPG5-related conditions. This variant is not present in population databases (gnomAD no frequency). This sequence change creates a premature translational stop signal (p.Lys888*) in the EPG5 gene. It is expected to result in an absent or disrupted protein product. Loss-of-function variants in EPG5 are known to be pathogenic (PMID: 23222957, 23674064).

Literature cited by the submitters: PubMed 23222957; PubMed 23674064.

NM_020964.3(EPG5):c.2662A>T (p.Lys888Ter)

Gene: EPG5 (ectopic P-granules 5 autophagy tethering factor; minus strand). Cytogenetic location: 18q21.1.
Variant type: single nucleotide variant.
Coding change: c.2662A>T on transcript NM_020964.3 (MANE Select); coding-DNA position 2662, A replaced by T.
Protein change: p.Lys888Ter; replaces lysine 888 with a stop codon.
Molecular consequence: nonsense.
Genome position (GRCh38, 1-based): chr18:45,925,794, T>A on the plus strand (A>T on the coding strand, the complement: EPG5 is on the minus strand). VCF-style: chr18-45925794-T-A. GRCh37 (hg19) VCF-style: chr18-43505760-T-A.
Other names: short protein forms K888*.
Identifiers: ClinVar variation 1072330 (VCV001072330.8), dbSNP rs769833086, ClinGen allele CA402345792.
Genomic context (GRCh38, chr18:45,925,794, plus strand): 5'-ATACCTGTTTAGCAAATCCCCAATTCAGTCCTTCAAGAATAACACAGGCCAGTTTATTCT[T>A]CACCACTGTCAGGTTGTAATTCAATAACCAATCCCGAATCACCGCTATCTCAGATGCAGA-3'